The following is an entry in ClinVar:

NM_001004334.4(GPR179):c.3673C>A (p.Leu1225Met)

Gene: GPR179 (G protein-coupled receptor 179; minus strand). Cytogenetic location: 17q12.
Variant type: single nucleotide variant.
Coding change: c.3673C>A on transcript NM_001004334.4 (MANE Select); coding-DNA position 3673, C replaced by A.
Protein change: p.Leu1225Met; replaces leucine 1225 with methionine.
Molecular consequence: missense variant.
Genome position (GRCh38, 1-based): chr17:38,329,896, G>T on the plus strand (C>A on the coding strand, the complement: GPR179 is on the minus strand). VCF-style: chr17-38329896-G-T. GRCh37 (hg19) VCF-style: chr17-36485779-G-T.
Other names: c.3673C>A (NM_001004334.2); short protein forms L1225M.
Identifiers: ClinVar variation 1442277 (VCV001442277.8), dbSNP rs201170214, ClinGen allele CA290104902.

ClinVar aggregate classification (germline): Uncertain significance. Review status: criteria provided, multiple submitters, no conflicts (2 of 4 stars). 3 submissions from 3 submitters: Uncertain significance (3). Last evaluated 2025-09-09.

Conditions:
Inborn genetic diseases. Identifiers: MedGen C0950123, MeSH D030342.

Allele frequency attached by ClinVar (database versions not stated): gnomAD 0.00001 and 0.00003; TOPMed 0.00005.
gnomAD v4.1: 68 of 1,614,052 alleles (0.0042%); highest among the groups gnomAD compares: Middle Eastern, 0.016%; no homozygotes.

Submissions (3):

Ambry Genetics
Classification: Uncertain significance for Inborn genetic diseases. Last evaluated: 2025-09-09. Review status: criteria provided, single submitter. Criteria: Ambry Variant Classification Scheme 2023. Collection method: clinical testing. Allele origin: germline.

Blueprint Genetics
Classification: Uncertain significance. Last evaluated: 2024-03-05. Review status: criteria provided, single submitter. Criteria: ACMG Guidelines, 2015. Collection method: clinical testing. Allele origin: germline.

Labcorp Genetics (formerly Invitae), Labcorp
Classification: Uncertain significance. Last evaluated: 2022-04-11. Review status: criteria provided, single submitter. Criteria: Invitae Variant Classification Sherloc (09022015). Collection method: clinical testing. Allele origin: germline.
Comment: This sequence change replaces leucine, which is neutral and non-polar, with methionine, which is neutral and non-polar, at codon 1225 of the GPR179 protein (p.Leu1225Met). This variant is present in population databases (rs201170214, gnomAD 0.1%). This variant has not been reported in the literature in individuals affected with GPR179-related conditions. Algorithms developed to predict the effect of missense changes on protein structure and function (SIFT, PolyPhen-2, Align-GVGD) all suggest that this variant is likely to be tolerated. In summary, the available evidence is currently insufficient to determine the role of this variant in disease. Therefore, it has been classified as a Variant of Uncertain Significance.